The following is an entry in ClinVar:

NM_001385641.1(SAMD11):c.1982G>A (p.Gly661Glu)

Gene: SAMD11 (sterile alpha motif domain containing 11; plus strand). Cytogenetic location: 1p36.33.
Variant type: single nucleotide variant.
Coding change: c.1982G>A on transcript NM_001385641.1 (MANE Select); coding-DNA position 1982, G replaced by A.
Protein change: p.Gly661Glu; replaces glycine 661 with glutamic acid.
Molecular consequence: missense variant.
Genome position (GRCh38, 1-based): chr1:942,987, G>A. VCF-style: chr1-942987-G-A. GRCh37 (hg19) VCF-style: chr1-878367-G-A.
Other names: c.1493G>A (NM_152486.2); c.1985G>A, p.Gly662Glu (NM_001385640.1); c.1493G>A, p.Gly498Glu (NM_152486.4); short protein forms G498E, G661E, G662E.
Identifiers: ClinVar variation 1022880 (VCV001022880.9), dbSNP rs770894660, ClinGen allele CA503046.

ClinVar aggregate classification (germline): Uncertain significance. Review status: criteria provided, multiple submitters, no conflicts (2 of 4 stars). 2 submissions from 2 submitters: Uncertain significance (2). Last evaluated 2025-08-25.

Allele frequency attached by ClinVar (database versions not stated): gnomAD 0.00003; ExAC 0.00012; gnomAD exomes below 0.00001 and 0.00002; TOPMed 0.00002.
gnomAD v4.1: 10 of 1,537,652 alleles (0.00065%); highest among the groups gnomAD compares: African/African-American, 0.0056%; no homozygotes.

Submissions (2):

Ambry Genetics
Classification: Uncertain significance. Last evaluated: 2025-08-25. Review status: criteria provided, single submitter. Criteria: Ambry Variant Classification Scheme 2023. Collection method: clinical testing. Allele origin: germline.

Labcorp Genetics (formerly Invitae), Labcorp
Classification: Uncertain significance. Last evaluated: 2022-11-22. Review status: criteria provided, single submitter. Criteria: Invitae Variant Classification Sherloc (09022015). Collection method: clinical testing. Allele origin: germline.
Comment: Algorithms developed to predict the effect of missense changes on protein structure and function (SIFT, PolyPhen-2, Align-GVGD) all suggest that this variant is likely to be disruptive. In summary, the available evidence is currently insufficient to determine the role of this variant in disease. Therefore, it has been classified as a Variant of Uncertain Significance. ClinVar contains an entry for this variant (Variation ID: 1022880). This variant has not been reported in the literature in individuals affected with SAMD11-related conditions. The frequency data for this variant in the population databases is considered unreliable, as metrics indicate poor data quality at this position in the gnomAD database. This sequence change replaces glycine, which is neutral and non-polar, with glutamic acid, which is acidic and polar, at codon 498 of the SAMD11 protein (p.Gly498Glu).